The following is an entry in ClinVar:

NM_004999.4(MYO6):c.2595C>T (p.Pro865=)

Gene: MYO6 (myosin VI; plus strand). Cytogenetic location: 6q14.1.
Variant type: single nucleotide variant.
Coding change: c.2595C>T on transcript NM_004999.4 (MANE Select); coding-DNA position 2595, C replaced by T.
Protein change: p.Pro865=; no amino-acid change (proline 865 retained).
Molecular consequence: synonymous variant. On other transcripts: non-coding transcript variant (1).
Genome position (GRCh38, 1-based): chr6:75,886,931, C>T. VCF-style: chr6-75886931-C-T. GRCh37 (hg19) VCF-style: chr6-76596648-C-T.
Other names: c.2595C>T, p.Pro865= (NM_001300899.2, NM_001368136.1, NM_001368137.1 and 2 more transcripts); c.2580C>T, p.Pro860= (NM_001368138.1).
Identifiers: ClinVar variation 178474 (VCV000178474.19), dbSNP rs150876010, ClinGen allele CA182401.

ClinVar aggregate classification (germline): Conflicting classifications of pathogenicity. Review status: criteria provided, conflicting classifications (1 of 4 stars). 5 submissions from 4 submitters: Uncertain significance (1); Benign (2); Likely benign (2). Last evaluated 2024-10-26.

Conditions:
Autosomal recessive nonsyndromic hearing loss 37. Identifiers: Orphanet 90636, MedGen C1843028, MONDO:0011912, OMIM 607821.
Autosomal dominant nonsyndromic hearing loss 22. Also called: DFNA 22; Autosomal dominant nonsyndromic deafness 22. Identifiers: Orphanet 228012, MedGen C2931767, MONDO:0011660, OMIM 606346.

Allele frequency attached by ClinVar (database versions not stated): 1000 Genomes Project 0.00040; 1000 Genomes Project 30x 0.00047; TOPMed 0.00100; ESP Exome Variant Server 0.00108; gnomAD 0.00124.
gnomAD v4.1: 311 of 1,613,446 alleles (0.019%); highest among the groups gnomAD compares: African/African-American, 0.38%; no homozygotes.

Submissions (5):

Labcorp Genetics (formerly Invitae), Labcorp
Classification: Benign. Last evaluated: 2024-10-26. Review status: criteria provided, single submitter. Criteria: Invitae Variant Classification Sherloc (09022015). Collection method: clinical testing. Allele origin: germline.

GeneDx
Classification: Likely benign. Last evaluated: 2020-09-23. Review status: criteria provided, single submitter. Criteria: GeneDx Variant Classification Process June 2021. Collection method: clinical testing. Allele origin: germline. Affected: yes.

Illumina Laboratory Services, Illumina
Classification: Uncertain significance for Autosomal recessive nonsyndromic hearing loss 37. Last evaluated: 2017-04-27. Review status: criteria provided, single submitter. Criteria: ICSL Variant Classification Criteria 13 December 2019. Collection method: clinical testing. Allele origin: germline.

Illumina Laboratory Services, Illumina
Classification: Benign for Autosomal dominant nonsyndromic hearing loss 22. Last evaluated: 2017-04-27. Review status: criteria provided, single submitter. Criteria: ICSL Variant Classification Criteria 13 December 2019. Collection method: clinical testing. Allele origin: germline.
Comment: This variant was observed as part of a predisposition screen in an ostensibly healthy population. A literature search was performed for the gene, cDNA change, and amino acid change (where applicable). No publications were found based on this search. Allele frequency data from public databases was too high to be consistent with this variant causing disease. Therefore, this variant is classified as benign.

Laboratory for Molecular Medicine, Mass General Brigham Personalized Medicine
Classification: Likely benign. Last evaluated: 2012-04-30. Review status: criteria provided, single submitter. Criteria: LMM Criteria. Collection method: clinical testing. Allele origin: germline. Observed: 1 variant allele.
Comment: Pro865Pro in Exon 25 of MYO6: This variant is not expected to have clinical sign ificance because it does not alter an amino acid residue, is not located within the splice consensus sequence, and has been identified in 0.3% (10/3738) of Afri can American chromosomes from a broad population by the NHLBI Exome Sequencing P roject (dbSNP rs150876010).